The following is an entry in ClinVar:

ClinVar aggregate classification (germline): Uncertain significance. Review status: criteria provided, multiple submitters, no conflicts (2 of 4 stars). 2 submissions from 2 submitters: Uncertain significance (2). Last evaluated 2025-05-13.

Conditions:
Epilepsy, familial focal, with variable foci 3 (FFEVF3). Identifiers: MedGen C4310708, MONDO:0014925, OMIM 617118.
Inborn genetic diseases. Identifiers: MedGen C0950123, MeSH D030342.

Allele frequency attached by ClinVar (database versions not stated): TOPMed 0.00006.
gnomAD v4.1: 22 of 1,602,612 alleles (0.0014%); highest among the groups gnomAD compares: African/African-American, 0.027%; no homozygotes.

Submissions (2):

Ambry Genetics
Classification: Uncertain significance for Inborn genetic diseases. Last evaluated: 2025-05-13. Review status: criteria provided, single submitter. Criteria: Ambry Variant Classification Scheme 2023. Collection method: clinical testing. Allele origin: germline.

Labcorp Genetics (formerly Invitae), Labcorp
Classification: Uncertain significance for Epilepsy, familial focal, with variable foci 3. Last evaluated: 2025-03-29. Review status: criteria provided, single submitter. Criteria: Invitae Variant Classification Sherloc (09022015). Collection method: clinical testing. Allele origin: germline.
Comment: This sequence change replaces asparagine, which is neutral and polar, with serine, which is neutral and polar, at codon 4 of the NPRL3 protein (p.Asn4Ser). The frequency data for this variant in the population databases is considered unreliable, as metrics indicate poor data quality at this position in the gnomAD database. This variant has not been reported in the literature in individuals affected with NPRL3-related conditions. ClinVar contains an entry for this variant (Variation ID: 844520). Experimental studies and prediction algorithms are not available or were not evaluated, and the functional significance of this variant is currently unknown. In summary, the available evidence is currently insufficient to determine the role of this variant in disease. Therefore, it has been classified as a Variant of Uncertain Significance.

NM_001077350.3(NPRL3):c.11A>G (p.Asn4Ser)

Genes: HBA-LCR (alpha-globin locus control region; plus strand), NPRL3 (NPR3 like, GATOR1 complex subunit; minus strand). Cytogenetic location: 16p13.3.
Variant type: single nucleotide variant.
Coding change: c.11A>G on transcript NM_001077350.3 (MANE Select); coding-DNA position 11, A replaced by G.
Protein change: p.Asn4Ser; replaces asparagine 4 with serine.
Molecular consequence: missense variant. On other transcripts: 5 prime UTR variant (2).
Genome position (GRCh38, 1-based): chr16:138,257, T>C on the plus strand (A>G on the coding strand, the complement: NPRL3 is on the minus strand). VCF-style: chr16-138257-T-C. GRCh37 (hg19) VCF-style: chr16-188256-T-C.
Other names: c.-322A>G (NM_001039476.3); c.-361A>G (NM_001243247.2); c.11A>G, p.Asn4Ser (NM_001243248.2, NM_001243249.2); short protein forms N4S.
Identifiers: ClinVar variation 844520 (VCV000844520.10), dbSNP rs759212295, ClinGen allele CA7769816.